The following is an entry in ClinVar:

ClinVar aggregate classification (germline): Uncertain significance (1 of 4 stars; one submission).

Submission:

Dasa
Classification: Uncertain significance. Last evaluated: 2024-12-12. Review status: criteria provided, single submitter. Criteria: DASA Assertion Criteria. Collection method: clinical testing. Allele origin: germline.
Comment: NM_014413.4(EIF2AK1):c.647A>G (p.Lys216Arg) is a missense variant that results in the substitution of lysine with arginine. This variant is absent from population databases. Computational prediction algorithms are consistent with a benign effect. The currently available literature and clinical evidence are not sufficient to establish a definitive association between this variant and the reported condition. Therefore, this variant is classified as a variant of uncertain significance.

NM_014413.4(EIF2AK1):c.647A>G (p.Lys216Arg)

Gene: EIF2AK1 (eukaryotic translation initiation factor 2 alpha kinase 1; minus strand). Cytogenetic location: 7p22.1.
Variant type: single nucleotide variant.
Coding change: c.647A>G on transcript NM_014413.4 (MANE Select); coding-DNA position 647, A replaced by G.
Protein change: p.Lys216Arg; replaces lysine 216 with arginine.
Molecular consequence: missense variant.
Genome position (GRCh38, 1-based): chr7:6,044,645, T>C on the plus strand (A>G on the coding strand, the complement: EIF2AK1 is on the minus strand). VCF-style: chr7-6044645-T-C. GRCh37 (hg19) VCF-style: chr7-6084276-T-C.
Other names: c.647A>G, p.Lys216Arg (NM_001134335.2); short protein forms K216R.
Identifiers: ClinVar variation 4881359 (VCV004881359.2).